The following is an entry in ClinVar:

NM_000158.4(GBE1):c.1534G>C (p.Val512Leu)

Gene: GBE1 (1,4-alpha-glucan branching enzyme 1; minus strand). Cytogenetic location: 3p12.2.
Variant type: single nucleotide variant.
Coding change: c.1534G>C on transcript NM_000158.4 (MANE Select); coding-DNA position 1534, G replaced by C.
Protein change: p.Val512Leu; replaces valine 512 with leucine.
Molecular consequence: missense variant.
Genome position (GRCh38, 1-based): chr3:81,578,009, C>G on the plus strand (G>C on the coding strand, the complement: GBE1 is on the minus strand). VCF-style: chr3-81578009-C-G. GRCh37 (hg19) VCF-style: chr3-81627160-C-G.
Other names: short protein forms V512L.
Identifiers: ClinVar variation 2153249 (VCV002153249.2), dbSNP rs776806910, ClinGen allele CA2499628.

ClinVar aggregate classification (germline): Uncertain significance (1 of 4 stars; one submission).

Conditions:
Glycogen storage disease IV, classic hepatic. Also called: GSD IV, CLASSIC HEPATIC. Identifiers: MedGen C1856301.
Glycogen storage disease, type IV (GSD4). Also called: Glycogen storage disease due to glycogen branching enzyme deficiency; AMYLOPECTINOSIS; ANDERSEN DISEASE; BRANCHER DEFICIENCY; CIRRHOSIS, FAMILIAL, WITH DEPOSITION OF ABNORMAL GLYCOGEN; GBE1 DEFICIENCY. Identifiers: Orphanet 367, MedGen C0017923, MONDO:0009292, OMIM 232500.

Allele frequency attached by ClinVar (database versions not stated): gnomAD exomes 0.00001; ExAC 0.00004.
gnomAD v4.1: 10 of 1,609,336 alleles (0.00062%); highest among the groups gnomAD compares: Non-Finnish European, 0.00085%; no homozygotes.

Submission:

Labcorp Genetics (formerly Invitae), Labcorp
Classification: Uncertain significance for Glycogen storage disease, type IV; Glycogen storage disease IV, classic hepatic. Last evaluated: 2022-07-15. Review status: criteria provided, single submitter. Criteria: Invitae Variant Classification Sherloc (09022015). Collection method: clinical testing. Allele origin: germline.
Comment: Advanced modeling of protein sequence and biophysical properties (such as structural, functional, and spatial information, amino acid conservation, physicochemical variation, residue mobility, and thermodynamic stability) performed at Invitae indicates that this missense variant is not expected to disrupt GBE1 protein function. This variant has not been reported in the literature in individuals affected with GBE1-related conditions. This variant is present in population databases (rs776806910, gnomAD 0.005%). This sequence change replaces valine, which is neutral and non-polar, with leucine, which is neutral and non-polar, at codon 512 of the GBE1 protein (p.Val512Leu). In summary, the available evidence is currently insufficient to determine the role of this variant in disease. Therefore, it has been classified as a Variant of Uncertain Significance.